The following is an entry in ClinVar:

NM_017534.6(MYH2):c.764T>C (p.Phe255Ser)

Genes: MYH2 (myosin heavy chain 2; minus strand), MYHAS (myosin heavy chain gene cluster antisense RNA; plus strand), LOC126862501 (CDK7 strongly-dependent group 2 enhancer GRCh37_chr17:10446256-10447455; plus strand). Cytogenetic location: 17p13.1.
Variant type: single nucleotide variant.
Coding change: c.764T>C on transcript NM_017534.6 (MANE Select); coding-DNA position 764, T replaced by C.
Protein change: p.Phe255Ser; replaces phenylalanine 255 with serine.
Molecular consequence: missense variant.
Genome position (GRCh38, 1-based): chr17:10,543,139, A>G on the plus strand (T>C on the coding strand, the complement: MYH2 is on the minus strand). VCF-style: chr17-10543139-A-G. GRCh37 (hg19) VCF-style: chr17-10446456-A-G.
Other names: c.764T>C, p.Phe255Ser (NM_001100112.2); short protein forms F255S.
Identifiers: ClinVar variation 2757346 (VCV002757346.3), dbSNP rs2508467235, ClinGen allele CA398167323.

ClinVar aggregate classification (germline): Uncertain significance (1 of 4 stars; one submission).

Conditions:
Myopathy, proximal, and ophthalmoplegia (CMYO6). Also called: MYOPATHY WITH CONGENITAL JOINT CONTRACTURES, OPHTHALMOPLEGIA, AND RIMMED VACUOLES; INCLUSION BODY MYOPATHY 3, AUTOSOMAL DOMINANT; CONGENITAL MYOPATHY 6 WITH OPHTHALMOPLEGIA. Identifiers: Orphanet 363677, Orphanet 79091, MedGen C1854106, MONDO:0011577, OMIM 605637.

Submission:

Labcorp Genetics (formerly Invitae), Labcorp
Classification: Uncertain significance for Myopathy, proximal, and ophthalmoplegia. Last evaluated: 2023-09-01. Review status: criteria provided, single submitter. Criteria: Invitae Variant Classification Sherloc (09022015). Collection method: clinical testing. Allele origin: germline.
Comment: This sequence change replaces phenylalanine, which is neutral and non-polar, with serine, which is neutral and polar, at codon 255 of the MYH2 protein (p.Phe255Ser). This variant is not present in population databases (gnomAD no frequency). In summary, the available evidence is currently insufficient to determine the role of this variant in disease. Therefore, it has been classified as a Variant of Uncertain Significance. Advanced modeling of protein sequence and biophysical properties (such as structural, functional, and spatial information, amino acid conservation, physicochemical variation, residue mobility, and thermodynamic stability) performed at Invitae indicates that this missense variant is expected to disrupt MYH2 protein function. This variant has not been reported in the literature in individuals affected with MYH2-related conditions.